The following is an entry in ClinVar:

ClinVar aggregate classification (germline): Uncertain significance (1 of 4 stars; one submission).

Conditions:
LAMA2-related muscular dystrophy (LAMA2-RD). Also called: Laminin alpha 2-related dystrophy. Identifiers: MedGen C5679788, MONDO:0100228.

Allele frequency attached by ClinVar (database versions not stated): TOPMed 0.00001; ExAC 0.00002; gnomAD exomes 0.00002; gnomAD 0.00003; 1000 Genomes Project 30x 0.00016; 1000 Genomes Project 0.00020.
gnomAD v4.1: 39 of 1,613,934 alleles (0.0024%); highest among the groups gnomAD compares: Non-Finnish European, 0.003%; no homozygotes.

Submission:

Labcorp Genetics (formerly Invitae), Labcorp
Classification: Uncertain significance for LAMA2-related muscular dystrophy. Last evaluated: 2024-05-08. Review status: criteria provided, single submitter. Criteria: Invitae Variant Classification Sherloc (09022015). Collection method: clinical testing. Allele origin: germline.
Comment: This sequence change replaces isoleucine, which is neutral and non-polar, with methionine, which is neutral and non-polar, at codon 2684 of the LAMA2 protein (p.Ile2684Met). This variant is present in population databases (rs201984588, gnomAD 0.004%). This variant has not been reported in the literature in individuals affected with LAMA2-related conditions. ClinVar contains an entry for this variant (Variation ID: 863805). Advanced modeling of protein sequence and biophysical properties (such as structural, functional, and spatial information, amino acid conservation, physicochemical variation, residue mobility, and thermodynamic stability) performed at Invitae indicates that this missense variant is not expected to disrupt LAMA2 protein function with a negative predictive value of 95%. In summary, the available evidence is currently insufficient to determine the role of this variant in disease. Therefore, it has been classified as a Variant of Uncertain Significance.

NM_000426.4(LAMA2):c.8052A>G (p.Ile2684Met)

Gene: LAMA2 (laminin subunit alpha 2; plus strand). Cytogenetic location: 6q22.33.
Variant type: single nucleotide variant.
Coding change: c.8052A>G on transcript NM_000426.4 (MANE Select); coding-DNA position 8052, A replaced by G.
Protein change: p.Ile2684Met; replaces isoleucine 2684 with methionine.
Molecular consequence: missense variant.
Genome position (GRCh38, 1-based): chr6:129,492,054, A>G. VCF-style: chr6-129492054-A-G. GRCh37 (hg19) VCF-style: chr6-129813199-A-G.
Other names: c.8040A>G, p.Ile2680Met (NM_001079823.2); short protein forms I2680M, I2684M.
Identifiers: ClinVar variation 863805 (VCV000863805.8), dbSNP rs201984588, ClinGen allele CA3994720.
Genomic context (GRCh38, chr6:129,492,054, plus strand): 5'-TGCTCCACCTGAATTTCAACCTTCCCCACTCAGAAATATTCCTCCTTTTGAAGGCTGCAT[A>G]TGGAATCTTGTTATTAACTCTGTGTAAGTGGATCTCCTCATTACTACTACTAATTTTTTA-3'
Protein context (NP_000417.3, residues 2674-2694): LRNIPPFEGC[Ile2684Met]WNLVINSVPM